The following is an entry in ClinVar:

NM_017780.4(CHD7):c.6122C>T (p.Ser2041Phe)

Gene: CHD7 (chromodomain helicase DNA binding protein 7; plus strand). Cytogenetic location: 8q12.2.
Variant type: single nucleotide variant.
Coding change: c.6122C>T on transcript NM_017780.4 (MANE Select); coding-DNA position 6122, C replaced by T.
Protein change: p.Ser2041Phe; replaces serine 2041 with phenylalanine.
Molecular consequence: missense variant. On other transcripts: intron variant (1).
Genome position (GRCh38, 1-based): chr8:60,852,847, C>T. VCF-style: chr8-60852847-C-T. GRCh37 (hg19) VCF-style: chr8-61765406-C-T.
Other names: c.1717-9382C>T (NM_001316690.1); short protein forms S2041F.
Identifiers: ClinVar variation 1751739 (VCV001751739.5), dbSNP rs777755661, ClinGen allele CA371324257.
Genomic context (GRCh38, chr8:60,852,847, plus strand): 5'-TTGAATTCTCCCCAAGTAAATATGAGCCCTTCTGTGTTACAGAACCGCCCGACCTCTCCT[C>T]CATAATTGAGCCGATCACAGAGGAGCGAGCCTCTCGAACTCTGTACCGCATTGAGCTGCT-3'
Protein context (NP_060250.2, residues 2031-2051): KPDDEPPDLS[Ser2041Phe]IIEPITEERA

ClinVar aggregate classification (germline): Uncertain significance. Review status: criteria provided, multiple submitters, no conflicts (2 of 4 stars). 3 submissions from 3 submitters: Uncertain significance (3). Last evaluated 2024-05-16.

Conditions:
Inborn genetic diseases. Identifiers: MedGen C0950123, MeSH D030342.
CHARGE syndrome (CHARGE). Also called: Hittner Hirsch Kreh syndrome; CHARGE ASSOCIATION--COLOBOMA, HEART ANOMALY, CHOANAL ATRESIA, RETARDATION, GENITAL AND EAR ANOMALIES; Coloboma, heart anomaly, choanal atresia, retardation, genital and ear anomalies; CHARGE association; Hall-Hittner syndrome. Identifiers: Orphanet 138, MedGen C0265354, MONDO:0008965.
Hypogonadotropic hypogonadism 5 with or without anosmia (KAL5). Also called: CHD7-Related GnRH Deficiency (Kallmann Syndrome 5); HYPOGONADOTROPIC HYPOGONADISM 5 WITH ANOSMIA; HYPOGONADOTROPHIC HYPOGONADISM 5 WITHOUT ANOSMIA. Identifiers: Orphanet 478, MedGen C3552553, MONDO:0012880, OMIM 612370. Disease mechanism: loss of function.

Allele frequency attached by ClinVar (database versions not stated): TOPMed 0.00001.
gnomAD v4.1: 2 of 1,612,942 alleles (0.00012%); highest among the groups gnomAD compares: Admixed American, 0.0017%; no homozygotes.

Submissions (3):

Labcorp Genetics (formerly Invitae), Labcorp
Classification: Uncertain significance for CHARGE syndrome. Last evaluated: 2024-05-16. Review status: criteria provided, single submitter. Criteria: Invitae Variant Classification Sherloc (09022015). Collection method: clinical testing. Allele origin: germline.
Comment: This sequence change replaces serine, which is neutral and polar, with phenylalanine, which is neutral and non-polar, at codon 2041 of the CHD7 protein (p.Ser2041Phe). This variant is not present in population databases (gnomAD no frequency). This variant has not been reported in the literature in individuals affected with CHD7-related conditions. ClinVar contains an entry for this variant (Variation ID: 1751739). Advanced modeling of protein sequence and biophysical properties (such as structural, functional, and spatial information, amino acid conservation, physicochemical variation, residue mobility, and thermodynamic stability) performed at Invitae indicates that this missense variant is not expected to disrupt CHD7 protein function with a negative predictive value of 95%. In summary, the available evidence is currently insufficient to determine the role of this variant in disease. Therefore, it has been classified as a Variant of Uncertain Significance.

Fulgent Genetics
Classification: Uncertain significance for CHD7-related CHARGE syndrome; Hypogonadotropic hypogonadism 5 with or without anosmia. Last evaluated: 2024-04-01. Review status: criteria provided, single submitter. Criteria: ACMG Guidelines, 2015. Collection method: clinical testing. Allele origin: germline.

Ambry Genetics
Classification: Uncertain significance for Inborn genetic diseases. Last evaluated: 2022-07-27. Review status: criteria provided, single submitter. Criteria: Ambry Variant Classification Scheme 2023. Collection method: clinical testing. Allele origin: germline.
Comment: The p.S2041F variant (also known as c.6122C>T), located in coding exon 30 of the CHD7 gene, results from a C to T substitution at nucleotide position 6122. The serine at codon 2041 is replaced by phenylalanine, an amino acid with highly dissimilar properties. This amino acid position is conserved. In addition, this alteration is predicted to be tolerated by in silico analysis. Since supporting evidence is limited at this time, the clinical significance of this alteration remains unclear.